The following is an entry in ClinVar:

ClinVar aggregate classification (germline): Conflicting classifications of pathogenicity. Review status: criteria provided, conflicting classifications (1 of 4 stars). 3 submissions from 3 submitters: Uncertain significance (1); Likely benign (2). Last evaluated 2025-12-23.

Conditions:
Hyperprolinemia type 2 (HYRPRO2). Also called: Deficiency of pyrroline-5-carboxylate reductase; 1-PYRROLINE-5-CARBOXYLATE DEHYDROGENASE DEFICIENCY; Delta-1-pyrroline-5-carboxylate dehydrogenase deficiency. Identifiers: Orphanet 79101, MedGen C2931835, MONDO:0009401, OMIM 239510.

Allele frequency attached by ClinVar (database versions not stated): gnomAD 0.00026; TOPMed 0.00029; ESP Exome Variant Server 0.00100.
gnomAD v4.1: 1,236 of 1,614,016 alleles (0.077%); highest among the groups gnomAD compares: Non-Finnish European, 0.099%; no homozygotes.

Submissions (3):

Labcorp Genetics (formerly Invitae), Labcorp
Classification: Likely benign for Hyperprolinemia type 2. Last evaluated: 2025-12-23. Review status: criteria provided, single submitter. Criteria: Invitae Variant Classification Sherloc (09022015). Collection method: clinical testing. Allele origin: germline.

CeGaT Center for Human Genetics Tuebingen
Classification: Likely benign. Last evaluated: 2024-12-01. Review status: criteria provided, single submitter. Criteria: CeGaT Center For Human Genetics Tuebingen Variant Classification Criteria Version 2. Collection method: clinical testing. Allele origin: germline. Affected: yes. Observed: 1 variant allele.
Comment: ALDH4A1: BP4, BP7

Illumina Laboratory Services, Illumina
Classification: Uncertain significance for Hyperprolinemia type 2. Last evaluated: 2018-01-12. Review status: criteria provided, single submitter. Criteria: ICSL Variant Classification Criteria 13 December 2019. Collection method: clinical testing. Allele origin: germline.

NM_003748.4(ALDH4A1):c.1377G>C (p.Pro459=)

Genes: ALDH4A1 (aldehyde dehydrogenase 4 family member A1; minus strand), LOC120893116 (Sharpr-MPRA regulatory region 7483; plus strand). Cytogenetic location: 1p36.13.
Variant type: single nucleotide variant.
Coding change: c.1377G>C on transcript NM_003748.4 (MANE Select); coding-DNA position 1377, G replaced by C.
Protein change: p.Pro459=; no amino-acid change (proline 459 retained).
Molecular consequence: synonymous variant.
Genome position (GRCh38, 1-based): chr1:18,875,465, C>G on the plus strand (G>C on the coding strand, the complement: ALDH4A1 is on the minus strand). VCF-style: chr1-18875465-C-G. GRCh37 (hg19) VCF-style: chr1-19201959-C-G.
Other names: c.1197G>C, p.Pro399= (NM_001161504.2); c.1224G>C, p.Pro408= (NM_001319218.2); c.1377G>C, p.Pro459= (NM_170726.3).
Identifiers: ClinVar variation 294370 (VCV000294370.28), dbSNP rs146222625, ClinGen allele CA646925.